The following is an entry in ClinVar:

NM_000435.3(NOTCH3):c.6521G>A (p.Arg2174Gln)

Gene: NOTCH3 (notch receptor 3; minus strand). Cytogenetic location: 19p13.12.
Variant type: single nucleotide variant.
Coding change: c.6521G>A on transcript NM_000435.3 (MANE Select); coding-DNA position 6521, G replaced by A.
Protein change: p.Arg2174Gln; replaces arginine 2174 with glutamine.
Molecular consequence: missense variant.
Genome position (GRCh38, 1-based): chr19:15,161,107, C>T on the plus strand (G>A on the coding strand, the complement: NOTCH3 is on the minus strand). VCF-style: chr19-15161107-C-T. GRCh37 (hg19) VCF-style: chr19-15271918-C-T.
Other names: short protein forms R2174Q.
Identifiers: ClinVar variation 804650 (VCV000804650.3), dbSNP rs1337328035, ClinGen allele CA404487815.

ClinVar aggregate classification (germline): Uncertain significance. Review status: criteria provided, multiple submitters, no conflicts (2 of 4 stars). 3 submissions from 3 submitters: Uncertain significance (3). Last evaluated 2026-02-17.

Conditions:
Cerebral arteriopathy, autosomal dominant, with subcortical infarcts and leukoencephalopathy, type 1 (CADASIL1). Also called: DEMENTIA, HEREDITARY MULTIINFARCT TYPE; CADASIL 1; CASIL; Cerebral arteriopathy with subcortical infarcts and leukoencephalopathy 1. Identifiers: Orphanet 136, MedGen C4551768, MONDO:0000914, OMIM 125310.
Lateral meningocele syndrome (LMNS). Also called: NOTCH3-Related Lateral Meningocele Syndrome. Identifiers: Orphanet 2789, MedGen C1851710, MONDO:0007537, OMIM 130720.
Myofibromatosis, infantile, 2. Identifiers: Orphanet 2591, MedGen C3809084, MONDO:0014122, OMIM 615293.

Allele frequency attached by ClinVar (database versions not stated): gnomAD 0.00004 and 0.00005; TOPMed 0.00004.

Submissions (3):

Women's Health and Genetics/Laboratory Corporation of America, LabCorp
Classification: Uncertain significance. Last evaluated: 2026-02-17. Review status: criteria provided, single submitter. Criteria: LabCorp Variant Classification Summary - May 2015. Collection method: clinical testing. Allele origin: germline.
Comment: Variant summary: NOTCH3 c.6521G>A (p.Arg2174Gln) results in a conservative amino acid change in the encoded protein sequence. Algorithms developed to predict the effect of missense changes on protein structure and function are either unavailable or do not agree on the potential impact of this missense change. The frequency data for this variant in gnomAD is considered unreliable, as metrics indicate poor data quality at this position. To our knowledge, no occurrence of c.6521G>A in individuals affected with NOTCH3-related conditions and no experimental evidence demonstrating its impact on protein function have been reported. ClinVar contains an entry for this variant (Variation ID: 804650). Based on the evidence outlined above, the variant was classified as uncertain significance.

Fulgent Genetics
Classification: Uncertain significance for Cerebral arteriopathy, autosomal dominant, with subcortical infarcts and leukoencephalopathy, type 1; Lateral meningocele syndrome; Myofibromatosis, infantile, 2. Last evaluated: 2021-08-18. Review status: criteria provided, single submitter. Criteria: ACMG Guidelines, 2015. Collection method: clinical testing. Allele origin: unknown.

Athena Diagnostics
Classification: Uncertain significance. Last evaluated: 2018-11-05. Review status: criteria provided, single submitter. Criteria: Athena Diagnostics Criteria. Collection method: clinical testing. Allele origin: germline.